The following is an entry in ClinVar:

ClinVar aggregate classification (germline): Uncertain significance (1 of 4 stars; one submission).

Submission:

CeGaT Center for Human Genetics Tuebingen
Classification: Uncertain significance. Last evaluated: 2025-03-01. Review status: criteria provided, single submitter. Criteria: CeGaT Center For Human Genetics Tuebingen Variant Classification Criteria Version 2. Collection method: clinical testing. Allele origin: germline. Affected: yes. Observed: 2 variant alleles.
Comment: PIK3R1: PM2, PP2

NM_181523.3(PIK3R1):c.1730G>A (p.Arg577Lys)

Gene: PIK3R1 (phosphoinositide-3-kinase regulatory subunit 1; plus strand). Cytogenetic location: 5q13.1.
Variant type: single nucleotide variant.
Coding change: c.1730G>A on transcript NM_181523.3 (MANE Select); coding-DNA position 1730, G replaced by A.
Protein change: p.Arg577Lys; replaces arginine 577 with lysine.
Molecular consequence: missense variant.
Genome position (GRCh38, 1-based): chr5:68,295,309, G>A. VCF-style: chr5-68295309-G-A. GRCh37 (hg19) VCF-style: chr5-67591137-G-A.
Other names: c.641G>A, p.Arg214Lys (NM_001242466.2); c.920G>A, p.Arg307Lys (NM_181504.4); c.830G>A, p.Arg277Lys (NM_181524.2); short protein forms R214K, R277K, R307K, R577K.
Identifiers: ClinVar variation 3251158 (VCV003251158.18), dbSNP rs2531012112.